The following is an entry in ClinVar:

ClinVar aggregate classification (germline): Uncertain significance (1 of 4 stars; one submission).

Conditions:
Cardiovascular phenotype. Identifiers: MedGen CN230736.

gnomAD v4.1: 1 of 1,614,038 alleles (0.000062%); highest among the groups gnomAD compares: South Asian, 0.0011%; no homozygotes.

Submission:

Ambry Genetics
Classification: Uncertain significance for Cardiovascular phenotype. Last evaluated: 2024-09-22. Review status: criteria provided, single submitter. Criteria: Ambry Variant Classification Scheme 2023. Collection method: clinical testing. Allele origin: germline.
Comment: The p.P108L variant (also known as c.323C>T), located in coding exon 3 of the MYOZ2 gene, results from a C to T substitution at nucleotide position 323. The proline at codon 108 is replaced by leucine, an amino acid with similar properties. This amino acid position is conserved. In addition, this alteration is predicted to be tolerated by in silico analysis. Based on the available evidence, the clinical significance of this variant remains unclear.

NM_016599.5(MYOZ2):c.323C>T (p.Pro108Leu)

Gene: MYOZ2 (myozenin 2; plus strand). Cytogenetic location: 4q26.
Variant type: single nucleotide variant.
Coding change: c.323C>T on transcript NM_016599.5 (MANE Select); coding-DNA position 323, C replaced by T.
Protein change: p.Pro108Leu; replaces proline 108 with leucine.
Molecular consequence: missense variant.
Genome position (GRCh38, 1-based): chr4:119,158,098, C>T. VCF-style: chr4-119158098-C-T. GRCh37 (hg19) VCF-style: chr4-120079253-C-T.
Other names: short protein forms P108L.
Identifiers: ClinVar variation 3401999 (VCV003401999.1).